The following is an entry in ClinVar:

NM_006767.4(LZTR1):c.1157G>A (p.Ser386Asn)

Gene: LZTR1 (leucine zipper like post translational regulator 1; plus strand). Cytogenetic location: 22q11.21.
Variant type: single nucleotide variant.
Coding change: c.1157G>A on transcript NM_006767.4 (MANE Select); coding-DNA position 1157, G replaced by A.
Protein change: p.Ser386Asn; replaces serine 386 with asparagine.
Molecular consequence: missense variant.
Genome position (GRCh38, 1-based): chr22:20,992,801, G>A. VCF-style: chr22-20992801-G-A. GRCh37 (hg19) VCF-style: chr22-21347090-G-A.
Other names: c.1157G>A (NM_006767.3); short protein forms S386N.
Identifiers: ClinVar variation 2833985 (VCV002833985.4), dbSNP rs2518618746, ClinGen allele CA410773635.

ClinVar aggregate classification (germline): Uncertain significance. Review status: criteria provided, multiple submitters, no conflicts (2 of 4 stars). 2 submissions from 2 submitters: Uncertain significance (2). Last evaluated 2025-06-02.

Conditions:
Hereditary cancer-predisposing syndrome. Also called: Neoplastic Syndromes, Hereditary; Tumor predisposition; Hereditary Cancer Syndrome; Hereditary neoplastic syndrome. Identifiers: Orphanet 140162, MedGen C0027672, MeSH D009386, MONDO:0015356.
Cardiovascular phenotype. Identifiers: MedGen CN230736.

Allele frequency attached by ClinVar (database versions not stated): gnomAD exomes below 0.00001.
gnomAD v4.1: 1 of 1,593,864 alleles (0.000063%); highest among the groups gnomAD compares: Non-Finnish European, 0.000086%; no homozygotes.

Submissions (2):

Ambry Genetics
Classification: Uncertain significance for Cardiovascular phenotype; Hereditary cancer-predisposing syndrome. Last evaluated: 2025-06-02. Review status: criteria provided, single submitter. Criteria: Ambry Variant Classification Scheme 2023. Collection method: clinical testing. Allele origin: germline.
Comment: The p.S386N variant (also known as c.1157G>A), located in coding exon 11 of the LZTR1 gene, results from a G to A substitution at nucleotide position 1157. The serine at codon 386 is replaced by asparagine, an amino acid with highly similar properties. This amino acid position is conserved. In addition, this alteration is predicted to be tolerated by in silico analysis. Based on the available evidence, the clinical significance of this variant remains unclear.

Labcorp Genetics (formerly Invitae), Labcorp
Classification: Uncertain significance. Last evaluated: 2023-05-22. Review status: criteria provided, single submitter. Criteria: Invitae Variant Classification Sherloc (09022015). Collection method: clinical testing. Allele origin: germline.
Comment: This variant has not been reported in the literature in individuals affected with LZTR1-related conditions. This sequence change replaces serine, which is neutral and polar, with asparagine, which is neutral and polar, at codon 386 of the LZTR1 protein (p.Ser386Asn). This variant is not present in population databases (gnomAD no frequency). Advanced modeling of protein sequence and biophysical properties (such as structural, functional, and spatial information, amino acid conservation, physicochemical variation, residue mobility, and thermodynamic stability) performed at Invitae indicates that this missense variant is not expected to disrupt LZTR1 protein function. In summary, the available evidence is currently insufficient to determine the role of this variant in disease. Therefore, it has been classified as a Variant of Uncertain Significance.